The following is an entry in ClinVar:

ClinVar aggregate classification (germline): Likely benign. Review status: criteria provided, multiple submitters, no conflicts (2 of 4 stars). 3 submissions from 3 submitters: Likely benign (3). Last evaluated 2025-12-01.

Conditions:
Microcephaly 2, primary, autosomal recessive, with or without cortical malformations. Also called: WDR62 Primary Microcephaly; MICROCEPHALY 2, PRIMARY, AUTOSOMAL RECESSIVE, WITH CORTICAL MALFORMATIONS. Identifiers: Orphanet 2512, MedGen C1858535, MONDO:0011435, OMIM 604317.

Allele frequency attached by ClinVar (database versions not stated): TOPMed 0.00162; 1000 Genomes Project 0.00280.
gnomAD v4.1: 541 of 1,521,352 alleles (0.036%); highest among the groups gnomAD compares: African/African-American, 0.51%; 1 homozygote.

Submissions (3):

Labcorp Genetics (formerly Invitae), Labcorp
Classification: Likely benign. Last evaluated: 2025-12-01. Review status: criteria provided, single submitter. Criteria: Invitae Variant Classification Sherloc (09022015). Collection method: clinical testing. Allele origin: germline.

Blueprint Genetics
Classification: Likely benign. Last evaluated: 2024-09-23. Review status: criteria provided, single submitter. Criteria: ACMG Guidelines, 2015. Collection method: clinical testing. Allele origin: germline.

Illumina Laboratory Services, Illumina
Classification: Likely benign for Microcephaly 2, primary, autosomal recessive, with or without cortical malformations. Last evaluated: 2018-01-13. Review status: criteria provided, single submitter. Criteria: ICSL Variant Classification Criteria 13 December 2019. Collection method: clinical testing. Allele origin: germline.
Comment: This variant was observed in the ICSL laboratory as part of a predisposition screen in an ostensibly healthy population. It had not been previously curated by ICSL or reported in the Human Gene Mutation Database (HGMD: prior to June 1st, 2018), and was therefore a candidate for classification through an automated scoring system. Utilizing variant allele frequency, disease prevalence and penetrance estimates, and inheritance mode, an automated score was calculated to assess if this variant is too frequent to cause the disease. Based on the score and internal cut-off values, a variant classified as likely benign is not then subjected to further curation. The score for this variant resulted in a classification of likely benign for this disease.

NM_001083961.2(WDR62):c.1233+15C>A

Gene: WDR62 (WD repeat domain 62; plus strand). Cytogenetic location: 19q13.12.
Variant type: single nucleotide variant.
Coding change: c.1233+15C>A on transcript NM_001083961.2 (MANE Select); 15 bases into the intron after coding-DNA position 1233, C replaced by A.
Molecular consequence: intron variant.
Genome position (GRCh38, 1-based): chr19:36,073,546, C>A. VCF-style: chr19-36073546-C-A. GRCh37 (hg19) VCF-style: chr19-36564448-C-A.
Other names: c.1233+15C>A (NM_173636.5).
Identifiers: ClinVar variation 890997 (VCV000890997.12), dbSNP rs554017479, ClinGen allele CA9395525.
Genomic context (GRCh38, chr19:36,073,546, plus strand): 5'-GGTGTGGTCAGAGCTCTTCCACAGCTCCTACGTTTGGAACGTGGAGGTGAGCCCCCCCCC[C>A]ACCCCCTTGCCCCTGCTTGGCCTCTGCACAGTTCCCCACAGTTTGGGAACCCATTCAGTA-3'